The following is an entry in ClinVar:

ClinVar aggregate classification (germline): Uncertain significance. Review status: criteria provided, multiple submitters, no conflicts (2 of 4 stars). 3 submissions from 3 submitters: Uncertain significance (3). Last evaluated 2025-06-20.

Conditions:
Hereditary cancer-predisposing syndrome. Also called: Tumor predisposition; Hereditary Cancer Syndrome; Neoplastic Syndromes, Hereditary; Hereditary neoplastic syndrome. Identifiers: Orphanet 140162, MedGen C0027672, MeSH D009386, MONDO:0015356.
Familial adenomatous polyposis 1 (FAP1). Also called: FAMILIAL ADENOMATOUS POLYPOSIS 1, ATTENUATED; POLYPOSIS, ADENOMATOUS INTESTINAL. Identifiers: MedGen C2713442, MONDO:0021056, OMIM 175100. Disease mechanism: loss of function.

Submissions (3):

Labcorp Genetics (formerly Invitae), Labcorp
Classification: Uncertain significance for Familial adenomatous polyposis 1. Last evaluated: 2025-06-20. Review status: criteria provided, single submitter. Criteria: Invitae Variant Classification Sherloc (09022015). Collection method: clinical testing. Allele origin: germline.
Comment: This sequence change replaces alanine, which is neutral and non-polar, with valine, which is neutral and non-polar, at codon 921 of the APC protein (p.Ala921Val). This variant is not present in population databases (gnomAD no frequency). This variant has not been reported in the literature in individuals affected with APC-related conditions. ClinVar contains an entry for this variant (Variation ID: 821776). Invitae Evidence Modeling of protein sequence and biophysical properties (such as structural, functional, and spatial information, amino acid conservation, physicochemical variation, residue mobility, and thermodynamic stability) indicates that this missense variant is not expected to disrupt APC protein function with a negative predictive value of 95%. In summary, the available evidence is currently insufficient to determine the role of this variant in disease. Therefore, it has been classified as a Variant of Uncertain Significance.

Ambry Genetics
Classification: Uncertain significance for Hereditary cancer-predisposing syndrome. Last evaluated: 2024-07-15. Review status: criteria provided, single submitter. Criteria: Ambry Variant Classification Scheme 2023. Collection method: clinical testing. Allele origin: germline.
Comment: The p.A921V variant (also known as c.2762C>T), located in coding exon 15 of the APC gene, results from a C to T substitution at nucleotide position 2762. The alanine at codon 921 is replaced by valine, an amino acid with similar properties. This amino acid position is not well conserved in available vertebrate species. In addition, in silico predictors for this gene do not accurately predict pathogenicity. Since supporting evidence is limited at this time, the clinical significance of this alteration remains unclear.

Color Diagnostics, LLC DBA Color Health
Classification: Uncertain significance for Hereditary cancer-predisposing syndrome. Last evaluated: 2023-12-05. Review status: criteria provided, single submitter. Criteria: ACMG Guidelines, 2015. Collection method: clinical testing. Allele origin: germline.
Comment: This missense variant replaces alanine with valine at codon 921 of the APC protein. Computational prediction suggests that this variant may not impact protein structure and function (internally defined REVEL score threshold <= 0.5, PMID: 27666373). To our knowledge, functional studies have not been reported for this variant. This variant has not been reported in individuals affected with APC-related disorders in the literature. This variant has not been identified in the general population by the Genome Aggregation Database (gnomAD). The available evidence is insufficient to determine the role of this variant in disease conclusively. Therefore, this variant is classified as a Variant of Uncertain Significance.

NM_000038.6(APC):c.2762C>T (p.Ala921Val)

Gene: APC (APC regulator of Wnt signaling pathway; plus strand). Cytogenetic location: 5q22.2.
Variant type: single nucleotide variant.
Coding change: c.2762C>T on transcript NM_000038.6 (MANE Select); coding-DNA position 2762, C replaced by T.
Protein change: p.Ala921Val; replaces alanine 921 with valine.
Molecular consequence: missense variant.
Genome position (GRCh38, 1-based): chr5:112,838,356, C>T. VCF-style: chr5-112838356-C-T. GRCh37 (hg19) VCF-style: chr5-112174053-C-T.
Other names: c.2762C>T, p.Ala921Val (NM_001127510.3, NM_001354895.2); c.2708C>T, p.Ala903Val (NM_001127511.3); c.2816C>T, p.Ala939Val (NM_001354896.2); c.2792C>T, p.Ala931Val (NM_001354897.2); c.2687C>T, p.Ala896Val (NM_001354898.2); c.2678C>T, p.Ala893Val (NM_001354899.2); c.2639C>T, p.Ala880Val (NM_001354900.2); c.2585C>T, p.Ala862Val (NM_001354901.2); and 5 more; short protein forms A880V, A921V, A939V, A795V, A820V, A862V, A896V, A931V.
Identifiers: ClinVar variation 821776 (VCV000821776.20), dbSNP rs1290319784, ClinGen allele CA16027361.